The following is an entry in ClinVar:

NM_000179.3(MSH6):c.129C>A (p.Ser43=)

Gene: MSH6 (mutS homolog 6; plus strand). Cytogenetic location: 2p16.3.
Variant type: single nucleotide variant.
Coding change: c.129C>A on transcript NM_000179.3 (MANE Select); coding-DNA position 129, C replaced by A.
Protein change: p.Ser43=; no amino-acid change (serine 43 retained).
Molecular consequence: synonymous variant. On other transcripts: 5 prime UTR variant (7), missense variant (1), non-coding transcript variant (5), intron variant (5).
Genome position (GRCh38, 1-based): chr2:47,783,362, C>A. VCF-style: chr2-47783362-C-A. GRCh37 (hg19) VCF-style: chr2-48010501-C-A.
Other names: c.129C>A, p.Ser43= (NM_001281492.2, NM_001406795.1, NM_001406796.1 and 9 more transcripts); c.-608C>A (NM_001281493.2, NM_001406811.1); c.-200C>A (NM_001406799.1); c.74C>A, p.Pro25His (NM_001406804.1); c.-800C>A (NM_001406807.1); c.-455C>A (NM_001406812.1); c.-866C>A (NM_001406814.1); c.-411C>A (NM_001406816.1); and 3 more; short protein forms P25H.
Identifiers: ClinVar variation 3904169 (VCV003904169.2).

ClinVar aggregate classification (germline): Benign/Likely benign. Review status: criteria provided, multiple submitters, no conflicts (2 of 4 stars). 2 submissions from 2 submitters: Benign (1); Likely benign (1). Last evaluated 2025-10-23.

Conditions:
Hereditary nonpolyposis colorectal neoplasms. Identifiers: MedGen C0009405, MeSH D003123.
Lynch syndrome 5 (LYNCH5). Also called: Colorectal cancer, hereditary nonpolyposis, type 5; Hereditary non-polyposis colorectal cancer, type 5. Identifiers: Orphanet 144, MedGen C1833477, MONDO:0013710, OMIM 614350. Disease mechanism: loss of function.

Submissions (2):

Labcorp Genetics (formerly Invitae), Labcorp
Classification: Likely benign for Hereditary nonpolyposis colorectal neoplasms. Last evaluated: 2025-10-23. Review status: criteria provided, single submitter. Criteria: Invitae Variant Classification Sherloc (09022015). Collection method: clinical testing. Allele origin: germline.

Myriad Genetics, Inc.
Classification: Benign for Lynch syndrome 5. Last evaluated: 2024-12-17. Review status: criteria provided, single submitter. Criteria: Myriad Autosomal Dominant, Autosomal Recessive and X-Linked Classification Criteria (2023). Collection method: clinical testing. Allele origin: unknown.
Comment: This variant is considered benign. This variant is a silent/synonymous amino acid change and it is not expected to impact splicing.